The following is an entry in ClinVar:

NM_000059.4(BRCA2):c.5764del (p.Ala1922fs)

Gene: BRCA2 (BRCA2 DNA repair associated; plus strand). Cytogenetic location: 13q13.1.
Variant type: Deletion.
Coding change: c.5764del on transcript NM_000059.4 (MANE Select); coding-DNA position 5764, one base deleted (G; older notation c.5764delG).
Protein change: p.Ala1922fs; shifts the reading frame from alanine 1922.
Molecular consequence: frameshift variant. On other transcripts: non-coding transcript variant (1), intron variant (2).
Genome position (GRCh38, 1-based): chr13:32,340,119, G deleted. VCF-style (leftmost placement, unchanged base first): chr13-32340118-TG-T. GRCh37 (hg19) VCF-style: chr13-32914255-TG-T.
Other names: c.5764del, p.Ala1922fs (NM_001406719.1, NM_001406720.1); c.1910-4439del (NM_001406721.1); c.425-4439del (NM_001406722.1); short protein forms A1922fs.
Identifiers: ClinVar variation 2586261 (VCV002586261.2), dbSNP rs2548531686, ClinGen allele CA2582341815.

ClinVar aggregate classification (germline): Pathogenic (1 of 4 stars; one submission).

Conditions:
Hereditary cancer-predisposing syndrome. Also called: Hereditary neoplastic syndrome; Tumor predisposition; Hereditary Cancer Syndrome; Neoplastic Syndromes, Hereditary. Identifiers: Orphanet 140162, MedGen C0027672, MeSH D009386, MONDO:0015356.

Submission:

Ambry Genetics
Classification: Pathogenic for Hereditary cancer-predisposing syndrome. Last evaluated: 2023-06-22. Review status: criteria provided, single submitter. Criteria: Ambry Variant Classification Scheme 2023. Collection method: clinical testing. Allele origin: germline.
Comment: The c.5764delG pathogenic mutation, located in coding exon 10 of the BRCA2 gene, results from a deletion of one nucleotide at nucleotide position 5764, causing a translational frameshift with a predicted alternate stop codon (p.A1922Lfs*41). This alteration was identified in a large, worldwide study of BRCA1/2 mutation positive families (Rebbeck TR et al. Hum Mutat, 2018 May;39:593-620). This alteration has also been identified in Egyptian breast cancer patients (Nassar A et al. Genes (Basel), 2022 Dec;14:). This variant is considered to be rare based on population cohorts in the Genome Aggregation Database (gnomAD). In addition to the clinical data presented in the literature, this alteration is expected to result in loss of function by premature protein truncation or nonsense-mediated mRNA decay. As such, this alteration is interpreted as a disease-causing mutation.

Literature cited by the submitters: PubMed 29446198; PubMed 36672847.